The following is an entry in ClinVar:

NM_002439.5(MSH3):c.1438A>G (p.Thr480Ala)

Gene: MSH3 (mutS homolog 3; plus strand). Cytogenetic location: 5q14.1.
Variant type: single nucleotide variant.
Coding change: c.1438A>G on transcript NM_002439.5 (MANE Select); coding-DNA position 1438, A replaced by G.
Protein change: p.Thr480Ala; replaces threonine 480 with alanine.
Molecular consequence: missense variant.
Genome position (GRCh38, 1-based): chr5:80,725,550, A>G. VCF-style: chr5-80725550-A-G. GRCh37 (hg19) VCF-style: chr5-80021369-A-G.
Other names: short protein forms T480A.
Identifiers: ClinVar variation 3680392 (VCV003680392.2).
Genomic context (GRCh38, chr5:80,725,550, plus strand): 5'-AACATTTATTTTGAATACAGCCATGCTTTCCAGGCAGTTACAGAGTTTTATGCAAAAGAT[A>G]CAGTTGACATCAAAGGTAAATATTTTCCCTGTATGTCCTCAAGTTGAACTGATTTGAAAT-3'
Protein context (NP_002430.3, residues 470-490): QAVTEFYAKD[Thr480Ala]VDIKGSQIIS

ClinVar aggregate classification (germline): Uncertain significance (1 of 4 stars; one submission).

gnomAD v4.1: 4 of 1,611,968 alleles (0.00025%); highest among the groups gnomAD compares: Middle Eastern, 0.017%; no homozygotes.

Submission:

Labcorp Genetics (formerly Invitae), Labcorp
Classification: Uncertain significance. Last evaluated: 2024-12-12. Review status: criteria provided, single submitter. Criteria: Invitae Variant Classification Sherloc (09022015). Collection method: clinical testing. Allele origin: germline.
Comment: This sequence change replaces threonine, which is neutral and polar, with alanine, which is neutral and non-polar, at codon 480 of the MSH3 protein (p.Thr480Ala). This variant is present in population databases (no rsID available, gnomAD 0.0009%). This variant has not been reported in the literature in individuals affected with MSH3-related conditions. An algorithm developed to predict the effect of missense changes on protein structure and function outputs the following: PolyPhen-2: "Benign". The alanine amino acid residue is found in multiple mammalian species, which suggests that this missense change does not adversely affect protein function. In summary, the available evidence is currently insufficient to determine the role of this variant in disease. Therefore, it has been classified as a Variant of Uncertain Significance.